The following is an entry in ClinVar:

ClinVar aggregate classification (germline): Uncertain significance. Review status: criteria provided, multiple submitters, no conflicts (2 of 4 stars). 5 submissions from 5 submitters: Uncertain significance (5). Last evaluated 2026-01-02.

Conditions:
Hyperkalemic periodic paralysis. Also called: Familial hyperkalemic periodic paralysis; Gamstorp disease. Identifiers: Orphanet 682, MedGen C0238357, MONDO:0008224, OMIM 170500, HP:0007215.
Congenital myopathy 22A, classic (CMYO22A). Identifiers: MedGen C5830453, MONDO:0957247, OMIM 620351.
Potassium-aggravated myotonia. Also called: MYOTONIA CONGENITA, ACETAZOLAMIDE-RESPONSIVE; MYOTONIA CONGENITA, ATYPICAL; SODIUM CHANNEL MUSCLE DISEASE; Myotonia congenita, atypical, acetazolamide-responsive. Identifiers: Orphanet 612, Orphanet 99734, Orphanet 99735, Orphanet 99736, MedGen C2931826, MONDO:0018959, OMIM 608390.
Hypokalemic periodic paralysis, type 2 (HOKPP2). Identifiers: Orphanet 681, MedGen C2750061, MONDO:0013234, OMIM 613345.
Congenital myopathy 22B, severe fetal (CMYO22B). Identifiers: MedGen C5830501, MONDO:0957265, OMIM 620369.
Congenital myasthenic syndrome 16. Identifiers: Orphanet 590, MedGen C3280112, MONDO:0013620, OMIM 614198.
Paramyotonia congenita of Von Eulenburg. Also called: PARALYSIS PERIODICA PARAMYOTONICA; Eulenburg disease; Myotonia congenita intermittens; Von Eulenburg paramyotonia congenita; Paramyotonia Congenita. Identifiers: Orphanet 684, MedGen C0221055, MONDO:0008195, OMIM 168300. Disease mechanism: loss of function.
Inborn genetic diseases. Identifiers: MedGen C0950123, MeSH D030342.

Allele frequency attached by ClinVar (database versions not stated): gnomAD 0.00001; ExAC 0.00002; gnomAD exomes 0.00002; TOPMed 0.00002.
gnomAD v4.1: 32 of 1,613,104 alleles (0.002%); highest among the groups gnomAD compares: African/African-American, 0.004%; no homozygotes.

Submissions (5):

Labcorp Genetics (formerly Invitae), Labcorp
Classification: Uncertain significance for Hyperkalemic periodic paralysis. Last evaluated: 2026-01-02. Review status: criteria provided, single submitter. Criteria: Invitae Variant Classification Sherloc (09022015). Collection method: clinical testing. Allele origin: germline.
Comment: This sequence change replaces aspartic acid, which is acidic and polar, with asparagine, which is neutral and polar, at codon 1228 of the SCN4A protein (p.Asp1228Asn). This variant is present in population databases (rs772250087, gnomAD 0.0009%). This variant has not been reported in the literature in individuals affected with SCN4A-related conditions. ClinVar contains an entry for this variant (Variation ID: 2053078). Invitae Evidence Modeling of protein sequence and biophysical properties (such as structural, functional, and spatial information, amino acid conservation, physicochemical variation, residue mobility, and thermodynamic stability) has been performed for this missense variant. However, the output from this modeling did not meet the statistical confidence thresholds required to predict the impact of this variant on SCN4A protein function. In summary, the available evidence is currently insufficient to determine the role of this variant in disease. Therefore, it has been classified as a Variant of Uncertain Significance.

Fulgent Genetics
Classification: Uncertain significance for Paramyotonia congenita of Von Eulenburg; Hyperkalemic periodic paralysis; Potassium-aggravated myotonia; Hypokalemic periodic paralysis, type 2; Congenital myasthenic syndrome 16; Congenital myopathy 22A, classic; Congenital myopathy 22B, severe fetal. Last evaluated: 2024-06-10. Review status: criteria provided, single submitter. Criteria: ACMG Guidelines, 2015. Collection method: clinical testing. Allele origin: germline.

Revvity Omics, Revvity
Classification: Uncertain significance. Last evaluated: 2024-05-15. Review status: criteria provided, single submitter. Criteria: ACMG Guidelines, 2015. Collection method: clinical testing. Allele origin: germline.

Women's Health and Genetics/Laboratory Corporation of America, LabCorp
Classification: Uncertain significance. Last evaluated: 2023-10-26. Review status: criteria provided, single submitter. Criteria: LabCorp Variant Classification Summary - May 2015. Collection method: clinical testing. Allele origin: germline.
Comment: Variant summary: SCN4A c.3682G>A (p.Asp1228Asn) results in a conservative amino acid change located in the Ion transport domain (IPR005821) of the encoded protein sequence. Four of five in-silico tools predict a damaging effect of the variant on protein function. The variant allele was found at a frequency of 8e-06 in 248942 control chromosomes. The available data on variant occurrences in the general population are insufficient to allow any conclusion about variant significance. To our knowledge, no occurrence of c.3682G>A in individuals affected with Acetazolamide-Responsive Myotonia and no experimental evidence demonstrating its impact on protein function have been reported. Three submitters have cited clinical-significance assessments for this variant to ClinVar after 2014. All submitters classified the variant as uncertain significance. Based on the evidence outlined above, the variant was classified as uncertain significance.

Ambry Genetics
Classification: Uncertain significance for Inborn genetic diseases. Last evaluated: 2023-02-15. Review status: criteria provided, single submitter. Criteria: Ambry Variant Classification Scheme 2023. Collection method: clinical testing. Allele origin: germline.

NM_000334.4(SCN4A):c.3682G>A (p.Asp1228Asn)

Genes: GH-LCR (growth hormone locus control region; plus strand), SCN4A (sodium voltage-gated channel alpha subunit 4; minus strand). Cytogenetic location: 17q23.3.
Variant type: single nucleotide variant.
Coding change: c.3682G>A on transcript NM_000334.4 (MANE Select); coding-DNA position 3682, G replaced by A.
Protein change: p.Asp1228Asn; replaces aspartic acid 1228 with asparagine.
Molecular consequence: missense variant.
Genome position (GRCh38, 1-based): chr17:63,945,398, C>T on the plus strand (G>A on the coding strand, the complement: SCN4A is on the minus strand). VCF-style: chr17-63945398-C-T. GRCh37 (hg19) VCF-style: chr17-62022758-C-T.
Other names: short protein forms D1228N.
Identifiers: ClinVar variation 2053078 (VCV002053078.11), dbSNP rs772250087, ClinGen allele CA8709209.